The following is an entry in ClinVar:

NM_020461.4(TUBGCP6):c.2281G>C (p.Val761Leu)

Gene: TUBGCP6 (tubulin gamma complex component 6; minus strand). Cytogenetic location: 22q13.33.
Variant type: single nucleotide variant.
Coding change: c.2281G>C on transcript NM_020461.4 (MANE Select); coding-DNA position 2281, G replaced by C.
Protein change: p.Val761Leu; replaces valine 761 with leucine.
Molecular consequence: missense variant.
Genome position (GRCh38, 1-based): chr22:50,222,582, C>G on the plus strand (G>C on the coding strand, the complement: TUBGCP6 is on the minus strand). VCF-style: chr22-50222582-C-G. GRCh37 (hg19) VCF-style: chr22-50661011-C-G.
Other names: short protein forms V761L.
Identifiers: ClinVar variation 1420452 (VCV001420452.6), dbSNP rs570048041, ClinGen allele CA10308272.
Genomic context (GRCh38, chr22:50,222,582, plus strand): 5'-TCCACAGTGCCTTCTGCTCCCGACGAGCTGCCTCTGCAGAGAGCTTGCTGTAGTGGTCGA[C>G]CAGTGCCTGCCTGAAGCCACACACCAGAGAGGACACGGCCACAAGAGTCACCCCACCCCA-3'
Protein context (NP_065194.3, residues 751-771): ELERKARQAL[Val761Leu]DHYSKLSAEA

ClinVar aggregate classification (germline): Uncertain significance (1 of 4 stars; one submission).

Allele frequency attached by ClinVar (database versions not stated): 1000 Genomes Project 30x 0.00016; 1000 Genomes Project 0.00020.
gnomAD v4.1: 4 of 1,611,460 alleles (0.00025%); highest among the groups gnomAD compares: African/African-American, 0.0027%; no homozygotes.

Submission:

Labcorp Genetics (formerly Invitae), Labcorp
Classification: Uncertain significance. Last evaluated: 2024-11-05. Review status: criteria provided, single submitter. Criteria: Invitae Variant Classification Sherloc (09022015). Collection method: clinical testing. Allele origin: germline.
Comment: This sequence change replaces valine, which is neutral and non-polar, with leucine, which is neutral and non-polar, at codon 761 of the TUBGCP6 protein (p.Val761Leu). This variant is present in population databases (rs570048041, gnomAD 0.01%). This variant has not been reported in the literature in individuals affected with TUBGCP6-related conditions. ClinVar contains an entry for this variant (Variation ID: 1420452). An algorithm developed to predict the effect of missense changes on protein structure and function (PolyPhen-2) suggests that this variant is likely to be tolerated. In summary, the available evidence is currently insufficient to determine the role of this variant in disease. Therefore, it has been classified as a Variant of Uncertain Significance.